The following is an entry in ClinVar:

NM_017534.6(MYH2):c.373A>C (p.Thr125Pro)

Genes: MYH2 (myosin heavy chain 2; minus strand), MYHAS (myosin heavy chain gene cluster antisense RNA; plus strand). Cytogenetic location: 17p13.1.
Variant type: single nucleotide variant.
Coding change: c.373A>C on transcript NM_017534.6 (MANE Select); coding-DNA position 373, A replaced by C.
Protein change: p.Thr125Pro; replaces threonine 125 with proline.
Molecular consequence: missense variant.
Genome position (GRCh38, 1-based): chr17:10,545,478, T>G on the plus strand (A>C on the coding strand, the complement: MYH2 is on the minus strand). VCF-style: chr17-10545478-T-G. GRCh37 (hg19) VCF-style: chr17-10448795-T-G.
Other names: c.373A>C, p.Thr125Pro (NM_001100112.2); c.373A>C (NM_017534.5); short protein forms T125P.
Identifiers: ClinVar variation 291165 (VCV000291165.11), dbSNP rs886044672, ClinGen allele CA10607043.

ClinVar aggregate classification (germline): Uncertain significance. Review status: criteria provided, multiple submitters, no conflicts (2 of 4 stars). 3 submissions from 3 submitters: Uncertain significance (3). Last evaluated 2025-12-05.

Conditions:
Inborn genetic diseases. Identifiers: MedGen C0950123, MeSH D030342.
Myopathy, proximal, and ophthalmoplegia (CMYO6). Also called: MYOPATHY WITH CONGENITAL JOINT CONTRACTURES, OPHTHALMOPLEGIA, AND RIMMED VACUOLES; CONGENITAL MYOPATHY 6 WITH OPHTHALMOPLEGIA; INCLUSION BODY MYOPATHY 3, AUTOSOMAL DOMINANT. Identifiers: Orphanet 363677, Orphanet 79091, MedGen C1854106, MONDO:0011577, OMIM 605637.

Allele frequency attached by ClinVar (database versions not stated): gnomAD exomes 0.00001; TOPMed 0.00001; gnomAD 0.00002.
gnomAD v4.1: 20 of 1,614,008 alleles (0.0012%); highest among the groups gnomAD compares: Non-Finnish European, 0.0016%; no homozygotes.

Submissions (3):

Labcorp Genetics (formerly Invitae), Labcorp
Classification: Uncertain significance for Myopathy, proximal, and ophthalmoplegia. Last evaluated: 2025-12-05. Review status: criteria provided, single submitter. Criteria: Invitae Variant Classification Sherloc (09022015). Collection method: clinical testing. Allele origin: germline.
Comment: This sequence change replaces threonine, which is neutral and polar, with proline, which is neutral and non-polar, at codon 125 of the MYH2 protein (p.Thr125Pro). This variant is not present in population databases (gnomAD no frequency). This variant has not been reported in the literature in individuals affected with MYH2-related conditions. ClinVar contains an entry for this variant (Variation ID: 291165). Invitae Evidence Modeling of protein sequence and biophysical properties (such as structural, functional, and spatial information, amino acid conservation, physicochemical variation, residue mobility, and thermodynamic stability) indicates that this missense variant is expected to disrupt MYH2 protein function with a positive predictive value of 80%. In summary, the available evidence is currently insufficient to determine the role of this variant in disease. Therefore, it has been classified as a Variant of Uncertain Significance.

Ambry Genetics
Classification: Uncertain significance for Inborn genetic diseases. Last evaluated: 2025-10-02. Review status: criteria provided, single submitter. Criteria: Ambry Variant Classification Scheme 2023. Collection method: clinical testing. Allele origin: germline.

Eurofins Ntd Llc (ga)
Classification: Uncertain significance. Last evaluated: 2016-09-20. Review status: criteria provided, single submitter. Criteria: EGL Classification Definitions 2015. Collection method: clinical testing. Allele origin: germline. Observed: 1 variant allele, 1 heterozygote.